The following is an entry in ClinVar:

NM_002585.4(PBX1):c.320G>A (p.Arg107Gln)

Gene: PBX1 (PBX homeobox 1; plus strand). Cytogenetic location: 1q23.3.
Variant type: single nucleotide variant.
Coding change: c.320G>A on transcript NM_002585.4 (MANE Select); coding-DNA position 320, G replaced by A.
Protein change: p.Arg107Gln; replaces arginine 107 with glutamine.
Molecular consequence: missense variant.
Genome position (GRCh38, 1-based): chr1:164,792,548, G>A. VCF-style: chr1-164792548-G-A. GRCh37 (hg19) VCF-style: chr1-164761785-G-A.
Other names: c.320G>A, p.Arg107Gln (NM_001204961.2, NM_001204963.2, NM_001353131.2); c.71G>A, p.Arg24Gln (NM_001353130.1); short protein forms R107Q, R24Q.
Identifiers: ClinVar variation 1710913 (VCV001710913.4), dbSNP rs2102302170, ClinGen allele CA343469748.

ClinVar aggregate classification (germline): Pathogenic/Likely pathogenic. Review status: criteria provided, multiple submitters, no conflicts (2 of 4 stars). 3 submissions from 3 submitters: Pathogenic (1); Likely pathogenic (2). Last evaluated 2025-02-19.

Conditions:
Congenital anomalies of kidney and urinary tract syndrome with or without hearing loss, abnormal ears, or developmental delay. Also called: Congenital Anomalies of the Kidney and Urinary Tract syndrome with or without Hearing Loss, Abnormal Ears, or Developmental Delay. Identifiers: Orphanet 656130, MedGen C4539968, MONDO:0060549, OMIM 617641.

Submissions (3):

3billion
Classification: Likely pathogenic for Congenital anomalies of kidney and urinary tract syndrome with or without hearing loss, abnormal ears, or developmental delay. Last evaluated: 2025-02-19. Review status: criteria provided, single submitter. Criteria: ACMG Guidelines, 2015. Collection method: clinical testing. Allele origin: germline. Affected: yes.
Comment: The variant is not observed in the gnomAD v4.1.0 dataset. Predicted Consequence/Location: Missense variant In silico tool predictions suggest damaging effect of the variant on gene or gene product [3Cnet: 0.99 (>=0.6, sensitivity 0.72 and precision 0.9)]. The same nucleotide change resulting in the same amino acid change has been previously reported as pathogenic/likely pathogenic with strong evidence (ClinVar ID: VCV001710913 /PMID: 36833200). Different missense changes at the same codon (p.Arg107Pro, p.Arg107Trp) have been reported to be associated with PBX1-related disorder (ClinVar ID: VCV001164014 /PMID: 32141698, 34580403). Therefore, this variant is classified as Likely pathogenic according to the recommendation of ACMG/AMP guideline.

GeneDx
Classification: Pathogenic. Last evaluated: 2024-02-20. Review status: criteria provided, single submitter. Criteria: GeneDx Variant Classification Process June 2021. Collection method: clinical testing. Allele origin: germline. Affected: yes.
Comment: Not observed at significant frequency in large population cohorts (gnomAD); In silico analysis supports that this missense variant has a deleterious effect on protein structure/function; This variant is associated with the following publications: (PMID: 36833200)

Cytogenetics and Cellular Biology Laboratory, Rennes University Hospital
Classification: Likely pathogenic for Congenital anomalies of kidney and urinary tract syndrome with or without hearing loss, abnormal ears, or developmental delay. Last evaluated: 2022-10-18. Review status: criteria provided, single submitter. Criteria: ACMG Guidelines, 2015. Collection method: clinical testing. Allele origin: de novo. Inheritance: Sporadic. Affected: yes. Observed: 1 heterozygote.

Literature cited by the submitters: PubMed 32141698 (cited by 3billion); PubMed 36833200 (cited by 3billion).